The following is an entry in ClinVar:

NM_004260.4(RECQL4):c.1879-7G>C

Gene: RECQL4 (RecQ like helicase 4; minus strand). Cytogenetic location: 8q24.3.
Variant type: single nucleotide variant.
Coding change: c.1879-7G>C on transcript NM_004260.4 (MANE Select); 7 bases into the intron before coding-DNA position 1879, G replaced by C.
Molecular consequence: intron variant.
Genome position (GRCh38, 1-based): chr8:144,514,114, C>G on the plus strand (G>C on the coding strand, the complement: RECQL4 is on the minus strand). VCF-style: chr8-144514114-C-G. GRCh37 (hg19) VCF-style: chr8-145739498-C-G.
Identifiers: ClinVar variation 2030382 (VCV002030382.4), dbSNP rs2538035643, ClinGen allele CA2580078766.

ClinVar aggregate classification (germline): Uncertain significance (1 of 4 stars; one submission).

Conditions:
Baller-Gerold syndrome (BGS). Also called: CRANIOSYNOSTOSIS WITH RADIAL DEFECTS. Identifiers: Orphanet 1225, MedGen C0265308, MONDO:0009039, OMIM 218600.

Submission:

Labcorp Genetics (formerly Invitae), Labcorp
Classification: Uncertain significance for Baller-Gerold syndrome. Last evaluated: 2022-09-14. Review status: criteria provided, single submitter. Criteria: Invitae Variant Classification Sherloc (09022015). Collection method: clinical testing. Allele origin: germline.
Comment: This sequence change falls in intron 11 of the RECQL4 gene. It does not directly change the encoded amino acid sequence of the RECQL4 protein. In summary, the available evidence is currently insufficient to determine the role of this variant in disease. Therefore, it has been classified as a Variant of Uncertain Significance. Experimental studies and prediction algorithms are not available or were not evaluated, and the effect of this variant on mRNA splicing is currently unknown. This variant has not been reported in the literature in individuals affected with RECQL4-related conditions. This variant is not present in population databases (gnomAD no frequency).